The following is an entry in ClinVar:

NM_024675.4(PALB2):c.679G>A (p.Ala227Thr)

Gene: PALB2 (partner and localizer of BRCA2; minus strand). Cytogenetic location: 16p12.2.
Variant type: single nucleotide variant.
Coding change: c.679G>A on transcript NM_024675.4 (MANE Select); coding-DNA position 679, G replaced by A.
Protein change: p.Ala227Thr; replaces alanine 227 with threonine.
Molecular consequence: missense variant.
Genome position (GRCh38, 1-based): chr16:23,635,867, C>T on the plus strand (G>A on the coding strand, the complement: PALB2 is on the minus strand). VCF-style: chr16-23635867-C-T. GRCh37 (hg19) VCF-style: chr16-23647188-C-T.
Other names: short protein forms A227T.
Identifiers: ClinVar variation 461015 (VCV000461015.18), dbSNP rs1555461678, ClinGen allele CA395136426.

ClinVar aggregate classification (germline): Uncertain significance. Review status: criteria provided, multiple submitters, no conflicts (2 of 4 stars). 5 submissions from 5 submitters: Uncertain significance (5). Last evaluated 2025-08-13.

Conditions:
Hereditary cancer-predisposing syndrome. Also called: Neoplastic Syndromes, Hereditary; Hereditary Cancer Syndrome; Hereditary neoplastic syndrome; Tumor predisposition. Identifiers: Orphanet 140162, MedGen C0027672, MeSH D009386, MONDO:0015356.
Familial cancer of breast. Also called: BREAST CANCER, FAMILIAL; Hereditary breast cancer; hereditary breast carcinoma. Identifiers: Orphanet 227535, MedGen C0346153, MONDO:0016419, OMIM 114480. Disease mechanism: loss of function.

Allele frequency attached by ClinVar (database versions not stated): gnomAD exomes 0.00001.
gnomAD v4.1: 3 of 1,614,122 alleles (0.00019%); highest among the groups gnomAD compares: Non-Finnish European, 0.00025%; no homozygotes.

Submissions (5):

Labcorp Genetics (formerly Invitae), Labcorp
Classification: Uncertain significance for Familial cancer of breast. Last evaluated: 2025-08-13. Review status: criteria provided, single submitter. Criteria: Invitae Variant Classification Sherloc (09022015). Collection method: clinical testing. Allele origin: germline.
Comment: This sequence change replaces alanine, which is neutral and non-polar, with threonine, which is neutral and polar, at codon 227 of the PALB2 protein (p.Ala227Thr). This variant is not present in population databases (gnomAD no frequency). This variant has not been reported in the literature in individuals affected with PALB2-related conditions. ClinVar contains an entry for this variant (Variation ID: 461015). An algorithm developed to predict the effect of missense changes on protein structure and function outputs the following: PolyPhen-2: "Benign". The threonine amino acid residue is found in multiple mammalian species, which suggests that this missense change does not adversely affect protein function. In summary, the available evidence is currently insufficient to determine the role of this variant in disease. Therefore, it has been classified as a Variant of Uncertain Significance.

Ambry Genetics
Classification: Uncertain significance for Hereditary cancer-predisposing syndrome. Last evaluated: 2023-08-03. Review status: criteria provided, single submitter. Criteria: Ambry Variant Classification Scheme 2023. Collection method: clinical testing. Allele origin: germline.
Comment: The p.A227T variant (also known as c.679G>A), located in coding exon 4 of the PALB2 gene, results from a G to A substitution at nucleotide position 679. The alanine at codon 227 is replaced by threonine, an amino acid with similar properties. This amino acid position is not well conserved in available vertebrate species. In addition, this alteration is predicted to be tolerated by in silico analysis. Since supporting evidence is limited at this time, the clinical significance of this alteration remains unclear.

Baylor Genetics
Classification: Uncertain significance for Familial cancer of breast. Last evaluated: 2023-05-23. Review status: criteria provided, single submitter. Criteria: ACMG Guidelines, 2015. Collection method: clinical testing. Allele origin: unknown.

GeneDx
Classification: Uncertain significance. Last evaluated: 2020-03-25. Review status: criteria provided, single submitter. Criteria: GeneDx Variant Classification Process June 2021. Collection method: clinical testing. Allele origin: germline. Affected: yes.
Comment: Not observed in large population cohorts (Lek 2016); In silico analysis supports that this missense variant does not alter protein structure/function; Has not been previously published as pathogenic or benign to our knowledge

Women's Health and Genetics/Laboratory Corporation of America, LabCorp
Classification: Uncertain significance. Last evaluated: 2019-10-04. Review status: criteria provided, single submitter. Criteria: LabCorp Variant Classification Summary - May 2015. Collection method: clinical testing. Allele origin: germline.
Comment: Variant summary: PALB2 c.679G>A (p.Ala227Thr) results in a non-conservative amino acid change in the encoded protein sequence. Four of five in-silico tools predict a benign effect of the variant on protein function. The variant was absent in 251096 control chromosomes. The available data on variant occurrences in the general population are insufficient to allow any conclusion about variant significance. To our knowledge, no occurrence of c.679G>A in individuals affected with Hereditary Breast and Ovarian Cancer and no experimental evidence demonstrating its impact on protein function have been reported. Two other clinical diagnostic laboratories have submitted clinical-significance assessments for this variant to ClinVar after 2014 without evidence for independent evaluation. Both laboratories classified the variant as uncertain significance. Based on the evidence outlined above, the variant was classified as uncertain significance.